The following is an entry in ClinVar:

NM_000090.4(COL3A1):c.497T>A (p.Val166Glu)

Gene: COL3A1 (collagen type III alpha 1 chain; plus strand). Cytogenetic location: 2q32.2.
Variant type: single nucleotide variant.
Coding change: c.497T>A on transcript NM_000090.4 (MANE Select); coding-DNA position 497, T replaced by A.
Protein change: p.Val166Glu; replaces valine 166 with glutamic acid.
Molecular consequence: missense variant.
Genome position (GRCh38, 1-based): chr2:188,987,108, T>A. VCF-style: chr2-188987108-T-A. GRCh37 (hg19) VCF-style: chr2-189851834-T-A.
Other names: short protein forms V166E.
Identifiers: ClinVar variation 928201 (VCV000928201.10), dbSNP rs1016172772, ClinGen allele CA62587218.

ClinVar aggregate classification (germline): Uncertain significance. Review status: criteria provided, multiple submitters, no conflicts (2 of 4 stars). 3 submissions from 3 submitters: Uncertain significance (3). Last evaluated 2024-04-22.

Conditions:
Familial thoracic aortic aneurysm and aortic dissection (TAAD). Also called: Thoracic aortic aneurysms and dissections. Identifiers: Orphanet 91387, MedGen C4707243, MONDO:0019625.
Ehlers-Danlos syndrome, type 4 (EDSVASC). Also called: Ehlers-Danlos syndrome vascular type; Ehlers Danlos syndrome, ecchymotic type; Ehlers Danlos syndrome, arterial type; Ehlers Danlos syndrome, Sack-Barabas type; Ehlers-Danlos Syndrome Type IV. Identifiers: Orphanet 286, MedGen C0268338, MONDO:0017314, OMIM 130050.

Allele frequency attached by ClinVar (database versions not stated): gnomAD exomes 0.00001.
gnomAD v4.1: 8 of 1,613,072 alleles (0.0005%); highest among the groups gnomAD compares: Middle Eastern, 0.017%; no homozygotes.

Submissions (3):

Labcorp Genetics (formerly Invitae), Labcorp
Classification: Uncertain significance for Ehlers-Danlos syndrome, type 4. Last evaluated: 2024-04-22. Review status: criteria provided, single submitter. Criteria: Invitae Variant Classification Sherloc (09022015). Collection method: clinical testing. Allele origin: germline.
Comment: This sequence change replaces valine, which is neutral and non-polar, with glutamic acid, which is acidic and polar, at codon 166 of the COL3A1 protein (p.Val166Glu). This variant is present in population databases (no rsID available, gnomAD 0.003%). This variant has not been reported in the literature in individuals affected with COL3A1-related conditions. ClinVar contains an entry for this variant (Variation ID: 928201). Advanced modeling of protein sequence and biophysical properties (such as structural, functional, and spatial information, amino acid conservation, physicochemical variation, residue mobility, and thermodynamic stability) performed at Invitae indicates that this missense variant is not expected to disrupt COL3A1 protein function with a negative predictive value of 95%. In summary, the available evidence is currently insufficient to determine the role of this variant in disease. Therefore, it has been classified as a Variant of Uncertain Significance.

Color Diagnostics, LLC DBA Color Health
Classification: Uncertain significance for Familial thoracic aortic aneurysm and aortic dissection. Last evaluated: 2024-03-06. Review status: criteria provided, single submitter. Criteria: ACMG Guidelines, 2015. Collection method: clinical testing. Allele origin: germline.
Comment: This missense variant replaces valine with glutamic acid at codon 166 of the COL3A1 protein. Computational prediction suggests that this variant may not impact protein structure and function (internally defined REVEL score threshold <= 0.5, PMID: 27666373). To our knowledge, functional studies have not been reported for this variant. This variant has not been reported in individuals affected with COL3A1-related disorders in the literature. This variant has been identified in 2/251066 chromosomes in the general population by the Genome Aggregation Database (gnomAD). The available evidence is insufficient to determine the role of this variant in disease conclusively. Therefore, this variant is classified as a Variant of Uncertain Significance.

All of Us Research Program, National Institutes of Health
Classification: Uncertain significance for Ehlers-Danlos syndrome, type 4. Last evaluated: 2023-06-26. Review status: criteria provided, single submitter. Criteria: ACMG Guidelines, 2015. Collection method: clinical testing. Allele origin: germline. Inheritance: Autosomal dominant inheritance. Observed: 2 variant alleles, 2 heterozygotes.
Comment: Variant of Uncertain Significance due to insufficient evidence: This missense variant replaces valine with glutamic acid at codon 166 of the COL3A1 protein. Computational prediction tools and conservation analyses suggest that this variant may have deleterious impact on the protein function. Computational splicing tools suggest that this variant may not impact RNA splicing. To our knowledge, functional assays have not been performed for this variant nor has this variant been reported in individuals affected with cardiovascular disorders in the literature. This variant has been identified in 2/245844 chromosomes in the general population by the Genome Aggregation Database (gnomAD). Available evidence is insufficient to determine the pathogenicity of this variant conclusively.

This study involves interpretation of variants in research participants for the purpose of population health screening. Participant phenotype was not available at the time of variant classification. Additional details can be found in publication PMID: 35346344, PMCID: PMC8962531